The following is an entry in ClinVar:

ClinVar aggregate classification (germline): Conflicting classifications of pathogenicity. Review status: criteria provided, conflicting classifications (1 of 4 stars). 4 submissions from 4 submitters: Uncertain significance (3); Likely benign (1). Last evaluated 2023-08-25.

Conditions:
Hereditary cancer-predisposing syndrome. Also called: Hereditary neoplastic syndrome; Tumor predisposition; Neoplastic Syndromes, Hereditary; Hereditary Cancer Syndrome. Identifiers: Orphanet 140162, MedGen C0027672, MeSH D009386, MONDO:0015356.
Hereditary breast ovarian cancer syndrome. Also called: Hereditary breast and ovarian cancer; Hereditary breast and/or ovarian cancer syndrome; Hereditary breast and ovarian cancer syndrome; Hereditary breast and ovarian cancer syndrome (HBOC); Breast and ovarian cancer; BRCA1- and BRCA2-Associated Hereditary Breast and Ovarian Cancer. Identifiers: Orphanet 145, MedGen C0677776, MeSH D061325, MONDO:0003582. Disease mechanism: loss of function.

Allele frequency attached by ClinVar (database versions not stated): gnomAD 0.00001; TOPMed 0.00002.
gnomAD v4.1: 2 of 1,597,578 alleles (0.00013%); highest among the groups gnomAD compares: African/African-American, 0.0027%; no homozygotes.

Submissions (4):

Ambry Genetics
Classification: Uncertain significance for Hereditary cancer-predisposing syndrome. Last evaluated: 2023-08-25. Review status: criteria provided, single submitter. Criteria: Ambry Variant Classification Scheme 2023. Collection method: clinical testing. Allele origin: germline.
Comment: The p.S1432R variant (also known as c.4296T>G), located in coding exon 10 of the BRCA2 gene, results from a T to G substitution at nucleotide position 4296. The serine at codon 1432 is replaced by arginine, an amino acid with dissimilar properties. This amino acid position is not well conserved in available vertebrate species. In addition, the in silico prediction for this alteration is inconclusive. Since supporting evidence is limited at this time, the clinical significance of this alteration remains unclear.

University of Washington Department of Laboratory Medicine, University of Washington
Classification: Likely benign for Hereditary cancer-predisposing syndrome. Last evaluated: 2023-03-23. Review status: criteria provided, single submitter. Criteria: Dines et al. (Genet Med. 2020). Collection method: curation. Allele origin: germline.
Comment: Missense variant in a coldspot region where missense variants are very unlikely to be pathogenic (PMID:31911673).

BRCA2 exon 11 coldspot. Reclassification based on statistical prior probability.

Labcorp Genetics (formerly Invitae), Labcorp
Classification: Uncertain significance for Hereditary breast ovarian cancer syndrome. Last evaluated: 2022-07-26. Review status: criteria provided, single submitter. Criteria: Invitae Variant Classification Sherloc (09022015). Collection method: clinical testing. Allele origin: germline.
Comment: ClinVar contains an entry for this variant (Variation ID: 418081). In summary, the available evidence is currently insufficient to determine the role of this variant in disease. Therefore, it has been classified as a Variant of Uncertain Significance. Advanced modeling of protein sequence and biophysical properties (such as structural, functional, and spatial information, amino acid conservation, physicochemical variation, residue mobility, and thermodynamic stability) performed at Invitae indicates that this missense variant is not expected to disrupt BRCA2 protein function. This variant has not been reported in the literature in individuals affected with BRCA2-related conditions. This variant is present in population databases (no rsID available, gnomAD 0.01%). This sequence change replaces serine, which is neutral and polar, with arginine, which is basic and polar, at codon 1432 of the BRCA2 protein (p.Ser1432Arg).

GeneDx
Classification: Uncertain significance. Last evaluated: 2014-10-24. Review status: criteria provided, single submitter. Criteria: GeneDx Variant Classification (06012015). Collection method: clinical testing. Allele origin: germline. Affected: yes.
Comment: This variant is denoted BRCA2 c.4296T>G at the cDNA level, p.Ser1432Arg (S1432R) at the protein level, and results in the change of a Serine to an Arginine (AGT>AGG). This variant has not, to our knowledge, been published in the literature as pathogenic or benign. BRCA2 Ser1432Arg was not observed in approximately 6,500 individuals of European and African American ancestry in the NHLBI Exome Sequencing Project, indicating it is not a common benign variant in these populations. Since Serine and Arginine differ in some properties, this is considered a semi-conservative amino acid substitution. BRCA2 Ser1432Arg occurs at a position that is conserved across species and is located in the 3rd BRC repeat (UniProt). In silico analyses predict that this variant is unlikely to alter protein structure or function. Based on currently available information, it is unclear whether BRCA2 Ser1432Arg is pathogenic or benign. We consider it to be a variant of uncertain significance.

NM_000059.4(BRCA2):c.4296T>G (p.Ser1432Arg)

Gene: BRCA2 (BRCA2 DNA repair associated; plus strand). Cytogenetic location: 13q13.1.
Variant type: single nucleotide variant.
Coding change: c.4296T>G on transcript NM_000059.4 (MANE Select); coding-DNA position 4296, T replaced by G.
Protein change: p.Ser1432Arg; replaces serine 1432 with arginine.
Molecular consequence: missense variant.
Genome position (GRCh38, 1-based): chr13:32,338,651, T>G. VCF-style: chr13-32338651-T-G. GRCh37 (hg19) VCF-style: chr13-32912788-T-G.
Other names: short protein forms S1432R.
Identifiers: ClinVar variation 418081 (VCV000418081.16), dbSNP rs1064793065, ClinGen allele CA16619704.
Genomic context (GRCh38, chr13:32,338,651, plus strand): 5'-TAAAACGGAGCAAAATATAAAAGATTTTGAGACTTCTGATACATTTTTTCAGACTGCAAG[T>G]GGGAAAAATATTAGTGTCGCCAAAGAGTCATTTAATAAAATTGTAAATTTCTTTGATCAG-3'
Protein context (NP_000050.3, residues 1422-1442): ETSDTFFQTA[Ser1432Arg]GKNISVAKES